The following is an entry in ClinVar:

ClinVar aggregate classification (germline): Pathogenic/Likely pathogenic. Review status: criteria provided, multiple submitters, no conflicts (2 of 4 stars). 3 submissions from 3 submitters: Pathogenic (2); Likely pathogenic (1). Last evaluated 2025-08-27.

Conditions:
Mucopolysaccharidosis type 1. Also called: IDUA deficiency; MPS I; Mucopolysaccharidosis Type I. Identifiers: Orphanet 579, MedGen C0023786, MONDO:0001586.

Submissions (3):

Labcorp Genetics (formerly Invitae), Labcorp
Classification: Pathogenic for Mucopolysaccharidosis type 1. Last evaluated: 2025-08-27. Review status: criteria provided, single submitter. Criteria: Invitae Variant Classification Sherloc (09022015). Collection method: clinical testing. Allele origin: germline.
Comment: This variant results in the deletion of part of exon 2 (c.299_299+1delinsAT) of the IDUA gene. It is expected to disrupt RNA splicing. Variants that disrupt the donor or acceptor splice site typically lead to a loss of protein function (PMID: 16199547), and loss-of-function variants in IDUA are known to be pathogenic (PMID: 11735025, 21480867). Information on the frequency of this variant in the gnomAD database is not available, as this variant may be reported differently in the database. This variant has been observed in individual(s) with clinical features of mucopolysaccharidosis type I (internal data). In at least one individual the data is consistent with being in trans (on the opposite chromosome) from a pathogenic variant. ClinVar contains an entry for this variant (Variation ID: 1066552). For these reasons, this variant has been classified as Pathogenic.

Natera, Inc.
Classification: Likely pathogenic for Mucopolysaccharidosis type I. Last evaluated: 2025-07-27. Review status: criteria provided, single submitter. Criteria: Natera Variant Classification Schema (03/2026). Collection method: clinical testing. Allele origin: germline.
Comment: The c.299_299+1delGGinsAT variant in IDUA is a canonical splice donor site variant predicted to affect pre-mRNA splicing, which may result in an abnormal transcript and altered protein product. This variant is expected to result in nonsense mediated decay, truncation, or a dysfunctional protein product. This variant is rare in the general population with a frequency below the threshold expected for the associated phenotype(s). Given the available evidence, this variant is classified as Likely Pathogenic.

Revvity Omics, Revvity
Classification: Pathogenic. Last evaluated: 2023-04-20. Review status: criteria provided, single submitter. Criteria: ACMG Guidelines, 2015. Collection method: clinical testing. Allele origin: germline.

Literature cited by the submitters: PubMed 16199547 (cited by Labcorp Genetics (formerly Invitae), Labcorp); PubMed 11735025 (cited by Labcorp Genetics (formerly Invitae), Labcorp); PubMed 21480867 (cited by Labcorp Genetics (formerly Invitae), Labcorp).

NM_000203.5(IDUA):c.299_299+1delinsAT

Genes: IDUA (alpha-L-iduronidase; plus strand), SLC26A1 (solute carrier family 26 member 1; minus strand). Cytogenetic location: 4p16.3.
Variant type: Indel.
Coding change: c.299_299+1delinsAT on transcript NM_000203.5 (MANE Select); coding-DNA position 299 through the canonical splice donor site of the intron after coding-DNA position 299, GG replaced by AT.
Molecular consequence: splice donor variant. On other transcripts: 3 prime UTR variant (2), intron variant (1).
Genome position (GRCh38, 1-based): chr4:987,949-987,950, GG replaced by AT. VCF-style: chr4-987949-GG-AT. GRCh37 (hg19) VCF-style: chr4-981737-GG-AT.
Other names: c.*883_*884delinsAT (NM_022042.4, NM_213613.4); c.576+3178_576+3179delinsAT (NM_134425.4); c.299_299+1delGGinsAT (NM_000203.4).
Identifiers: ClinVar variation 1066552 (VCV001066552.11), dbSNP rs2153015709, ClinGen allele CA2499217358.